The following is an entry in ClinVar:

ClinVar aggregate classification (germline): Uncertain significance. Review status: criteria provided, multiple submitters, no conflicts (2 of 4 stars). 2 submissions from 2 submitters: Uncertain significance (2). Last evaluated 2023-03-10.

Conditions:
Inborn genetic diseases. Identifiers: MedGen C0950123, MeSH D030342.

Allele frequency attached by ClinVar (database versions not stated): gnomAD exomes below 0.00001.

Submissions (2):

Ambry Genetics
Classification: Uncertain significance for Inborn genetic diseases. Last evaluated: 2023-03-10. Review status: criteria provided, single submitter. Criteria: Ambry Variant Classification Scheme 2023. Collection method: clinical testing. Allele origin: germline.

Mayo Clinic Laboratories, Mayo Clinic
Classification: Uncertain significance. Last evaluated: 2022-06-30. Review status: criteria provided, single submitter. Criteria: ACMG Guidelines, 2015. Collection method: clinical testing. Allele origin: germline. Observed: 2 variant alleles.
Comment: BP4, PM2

NM_001374736.1(DST):c.4375A>C (p.Lys1459Gln)

Gene: DST (dystonin; minus strand). Cytogenetic location: 6p12.1.
Variant type: single nucleotide variant.
Coding change: c.4375A>C on transcript NM_001374736.1 (MANE Select); coding-DNA position 4375, A replaced by C.
Protein change: p.Lys1459Gln; replaces lysine 1459 with glutamine.
Molecular consequence: missense variant.
Genome position (GRCh38, 1-based): chr6:56,629,350, T>G on the plus strand (A>C on the coding strand, the complement: DST is on the minus strand). VCF-style: chr6-56629350-T-G. GRCh37 (hg19) VCF-style: chr6-56494148-T-G.
Other names: p.Lys922Gln; c.4276A>C, p.Lys1426Gln (NM_001144769.5); c.3862A>C, p.Lys1288Gln (NM_001144770.2); c.4375A>C, p.Lys1459Gln (NM_001374722.1); c.3742A>C, p.Lys1248Gln (NM_001374729.1, NM_001374730.1, NM_001386100.1 and 1 more transcripts); c.4402A>C, p.Lys1468Gln (NM_001374734.1); c.2764A>C, p.Lys922Gln (NM_001723.7, NM_015548.5); c.2764A>C (NM_015548.4); short protein forms K1248Q, K1468Q, K1288Q, K1426Q, K1459Q, K922Q.
Identifiers: ClinVar variation 2488762 (VCV002488762.3), dbSNP rs2536929474, ClinGen allele CA364573771.